The following is an entry in ClinVar:

NM_022168.4(IFIH1):c.575A>G (p.Glu192Gly)

Gene: IFIH1 (interferon induced with helicase C domain 1; minus strand). Cytogenetic location: 2q24.2.
Variant type: single nucleotide variant.
Coding change: c.575A>G on transcript NM_022168.4 (MANE Select); coding-DNA position 575, A replaced by G.
Protein change: p.Glu192Gly; replaces glutamic acid 192 with glycine.
Molecular consequence: missense variant.
Genome position (GRCh38, 1-based): chr2:162,310,812, T>C on the plus strand (A>G on the coding strand, the complement: IFIH1 is on the minus strand). VCF-style: chr2-162310812-T-C. GRCh37 (hg19) VCF-style: chr2-163167322-T-C.
Other names: short protein forms E192G.
Identifiers: ClinVar variation 3758264 (VCV003758264.2).
Genomic context (GRCh38, chr2:162,310,812, plus strand): 5'-AAATTACAAATACCTGCATTGCTTTCTGAGCAATCAGAGCCTGTTAACTCTTGGACAAGT[T>C]CATTGTTTCCTGTTTGACGAAGAACATTCAGAAATGCAGAGAACCAGTTTTCTTTCTGCA-3'
Protein context (NP_071451.2, residues 182-202): LNVLRQTGNN[Glu192Gly]LVQELTGSDC

ClinVar aggregate classification (germline): Uncertain significance (1 of 4 stars; one submission).

Conditions:
Singleton-Merten syndrome 1 (SGMRT1). Also called: Widened medullary cavities of bone, aortic calcification, abnormal dentition, and muscular weakness; Syndrome of widened medullary cavities of the metacarpals and phalanges, aortic calcification and abnormal dentition. Identifiers: Orphanet 85191, MedGen C4225427, MONDO:0024535, OMIM 182250.
Aicardi-Goutieres syndrome 7 (AGS7). Identifiers: Orphanet 51, MedGen C3888244, MONDO:0014367, OMIM 615846.

gnomAD v4.1: 11 of 1,613,894 alleles (0.00068%); highest among the groups gnomAD compares: African/African-American, 0.013%; no homozygotes.

Submission:

Labcorp Genetics (formerly Invitae), Labcorp
Classification: Uncertain significance for Aicardi-Goutieres syndrome 7; Singleton-Merten syndrome 1. Last evaluated: 2024-12-22. Review status: criteria provided, single submitter. Criteria: Invitae Variant Classification Sherloc (09022015). Collection method: clinical testing. Allele origin: germline.
Comment: This sequence change replaces glutamic acid, which is acidic and polar, with glycine, which is neutral and non-polar, at codon 192 of the IFIH1 protein (p.Glu192Gly). This variant is present in population databases (rs557215155, gnomAD 0.03%). This variant has not been reported in the literature in individuals affected with IFIH1-related conditions. An algorithm developed to predict the effect of missense changes on protein structure and function outputs the following: PolyPhen-2: "Benign". The glycine amino acid residue is found in multiple mammalian species, which suggests that this missense change does not adversely affect protein function. In summary, the available evidence is currently insufficient to determine the role of this variant in disease. Therefore, it has been classified as a Variant of Uncertain Significance.